The following is an entry in ClinVar:

ClinVar aggregate classification (germline): Uncertain significance (1 of 4 stars; one submission).

Conditions:
Inborn genetic diseases. Identifiers: MedGen C0950123, MeSH D030342.

gnomAD v4.1: 1 of 1,614,208 alleles (0.000062%); highest among the groups gnomAD compares: Admixed American, 0.0017%; no homozygotes.

Submission:

Ambry Genetics
Classification: Uncertain significance for Inborn genetic diseases. Last evaluated: 2026-08-31. Review status: criteria provided, single submitter. Criteria: Ambry Variant Classification Scheme 2023. Collection method: clinical testing. Allele origin: germline.
Comment: The c.863G>A (p.G288E) alteration is located in exon 6 (coding exon 6) of the LHX4 gene. This alteration results from a G to A substitution at nucleotide position 863, causing the glycine (G) at amino acid position 288 to be replaced by a glutamic acid (E). Based on data from gnomAD, the A allele has an overall frequency of <0.001% (1/251398) total alleles studied. The highest observed frequency was 0.003% (1/34576) of Latino alleles. Based on insufficient or conflicting evidence, the clinical significance of this alteration remains unclear.

NM_033343.4(LHX4):c.863G>A (p.Gly288Glu)

Genes: ACBD6 (acyl-CoA binding domain containing 6; minus strand), LHX4 (LIM homeobox 4; plus strand), LHX4-AS1 (LHX4 antisense RNA 1; minus strand). Cytogenetic location: 1q25.2.
Variant type: single nucleotide variant.
Coding change: c.863G>A on transcript NM_033343.4 (MANE Select); coding-DNA position 863, G replaced by A.
Protein change: p.Gly288Glu; replaces glycine 288 with glutamic acid.
Molecular consequence: missense variant.
Genome position (GRCh38, 1-based): chr1:180,274,269, G>A. VCF-style: chr1-180274269-G-A. GRCh37 (hg19) VCF-style: chr1-180243404-G-A.
Other names: short protein forms G288E.
Identifiers: ClinVar variation 5023579 (VCV005023579.1).
Genomic context (GRCh38, chr1:180,274,269, plus strand): 5'-GCCACACCAATAGGATTTATGGCAACGTGGGGGACGTTACAGGCGGACAGTTAATGAATG[G>A]GAGCTTCTCCATGGACGGGACAGGACAATCCTATCAGGACTTGAGGGATGGGAGCCCCTA-3'
Protein context (NP_203129.1, residues 278-298): GDVTGGQLMN[Gly288Glu]SFSMDGTGQS